The following is an entry in ClinVar:

NM_002661.5(PLCG2):c.2296A>C (p.Asn766His)

Gene: PLCG2 (phospholipase C gamma 2; plus strand). Cytogenetic location: 16q23.3.
Variant type: single nucleotide variant.
Coding change: c.2296A>C on transcript NM_002661.5 (MANE Select); coding-DNA position 2296, A replaced by C.
Protein change: p.Asn766His; replaces asparagine 766 with histidine.
Molecular consequence: missense variant.
Genome position (GRCh38, 1-based): chr16:81,921,258, A>C. VCF-style: chr16-81921258-A-C. GRCh37 (hg19) VCF-style: chr16-81954863-A-C.
Other names: c.2296A>C (LRG_376t1); short protein forms N766H.
Identifiers: ClinVar variation 636970 (VCV000636970.7), dbSNP rs955126333, ClinGen allele CA285169176.
Genomic context (GRCh38, chr16:81,921,258, plus strand): 5'-GAAAGAGATATAAACTCCCTCTACGACGTCAGCAGAATGTATGTGGATCCCAGTGAAATC[A>C]ATCCGTCCATGGTACGGTGCCGAACCTCCAATTCACATGATTTTGGAGTCACGAGGCTGA-3'
Protein context (NP_002652.2, residues 756-776): SRMYVDPSEI[Asn766His]PSMPQRTVKA

ClinVar aggregate classification (germline): Uncertain significance. Review status: criteria provided, multiple submitters, no conflicts (2 of 4 stars). 3 submissions from 3 submitters: Uncertain significance (3). Last evaluated 2024-08-13.

Conditions:
Familial cold autoinflammatory syndrome 3 (FCAS3). Also called: ANTIBODY DEFICIENCY AND IMMUNE DYSREGULATION, PLCG2-ASSOCIATED; FAMILIAL ATYPICAL COLD URTICARIA. Identifiers: Orphanet 300359, MedGen C3280914, MONDO:0013766, OMIM 614468.
Autoinflammation-PLCG2-associated antibody deficiency-immune dysregulation. Also called: Autoinflammation, antibody deficiency, and immune dysregulation, plcg2-associated; AUTOINFLAMMATION, ANTIBODY DEFICIENCY, AND IMMUNE DYSREGULATION; Autoinflammation, antibody deficiency, and immune dysregulation syndrome. Identifiers: Orphanet 324530, MedGen C3553961, MONDO:0013944, OMIM 614878.

Allele frequency attached by ClinVar (database versions not stated): gnomAD 0.00001; TOPMed 0.00002; gnomAD exomes 0.00003.
gnomAD v4.1: 36 of 1,607,068 alleles (0.0022%); highest among the groups gnomAD compares: Non-Finnish European, 0.003%; no homozygotes.

Submissions (3):

Labcorp Genetics (formerly Invitae), Labcorp
Classification: Uncertain significance for Familial cold autoinflammatory syndrome 3. Last evaluated: 2024-08-13. Review status: criteria provided, single submitter. Criteria: Invitae Variant Classification Sherloc (09022015). Collection method: clinical testing. Allele origin: germline.
Comment: This sequence change replaces asparagine, which is neutral and polar, with histidine, which is basic and polar, at codon 766 of the PLCG2 protein (p.Asn766His). This variant is not present in population databases (gnomAD no frequency). This variant has not been reported in the literature in individuals affected with PLCG2-related conditions. ClinVar contains an entry for this variant (Variation ID: 636970). An algorithm developed to predict the effect of missense changes on protein structure and function (PolyPhen-2) suggests that this variant is likely to be tolerated. In summary, the available evidence is currently insufficient to determine the role of this variant in disease. Therefore, it has been classified as a Variant of Uncertain Significance.

Fulgent Genetics
Classification: Uncertain significance for Familial cold autoinflammatory syndrome 3; Autoinflammation-PLCG2-associated antibody deficiency-immune dysregulation. Last evaluated: 2021-07-23. Review status: criteria provided, single submitter. Criteria: ACMG Guidelines, 2015. Collection method: clinical testing. Allele origin: unknown.

Blueprint Genetics
Classification: Uncertain significance. Last evaluated: 2019-02-22. Review status: criteria provided, single submitter. Criteria: ACMG Guidelines, 2015. Collection method: clinical testing. Allele origin: germline.